The following is an entry in ClinVar:

NM_000079.4(CHRNA1):c.1073A>T (p.Asp358Val)

Gene: CHRNA1 (cholinergic receptor nicotinic alpha 1 subunit; minus strand). Cytogenetic location: 2q31.1.
Variant type: single nucleotide variant.
Coding change: c.1073A>T on transcript NM_000079.4 (MANE Select); coding-DNA position 1073, A replaced by T.
Protein change: p.Asp358Val; replaces aspartic acid 358 with valine.
Molecular consequence: missense variant.
Genome position (GRCh38, 1-based): chr2:174,748,749, T>A on the plus strand (A>T on the coding strand, the complement: CHRNA1 is on the minus strand). VCF-style: chr2-174748749-T-A. GRCh37 (hg19) VCF-style: chr2-175613477-T-A.
Other names: p.Asp358Val; c.1148A>T, p.Asp383Val (NM_001039523.3); short protein forms D383V, D358V.
Identifiers: ClinVar variation 128733 (VCV000128733.23), dbSNP rs6739001, ClinGen allele CA152372.

ClinVar aggregate classification (germline): Benign. Review status: criteria provided, multiple submitters, no conflicts (2 of 4 stars). 9 submissions from 8 submitters: Benign (8). 1 of the submissions does not count toward it. Last evaluated 2026-01-28.

Conditions:
Congenital myasthenic syndrome (CMS). Also called: Congenital Myasthenic Syndromes. Identifiers: Orphanet 590, MedGen C0751882, MeSH D020294, MONDO:0018940.
Lethal multiple pterygium syndrome (LMPS). Identifiers: Orphanet 33108, MedGen C1854678, MONDO:0009668, OMIM 253290.

Allele frequency attached by ClinVar (database versions not stated): 1000 Genomes Project 0.01877; gnomAD 0.01914 and 0.02064; gnomAD exomes 0.00172 and 0.00473; ExAC 0.00575; 1000 Genomes Project 30x 0.01874; ESP Exome Variant Server 0.01938; TOPMed 0.02070.
gnomAD v4.1: 5,480 of 1,614,218 alleles (0.34%); highest among the groups gnomAD compares: African/African-American, 6.5%; 158 homozygotes.

Submissions (9):

Labcorp Genetics (formerly Invitae), Labcorp
Classification: Benign for Lethal multiple pterygium syndrome. Last evaluated: 2026-01-28. Review status: criteria provided, single submitter. Criteria: Invitae Variant Classification Sherloc (09022015). Collection method: clinical testing. Allele origin: germline.

Athena Diagnostics
Classification: Benign. Last evaluated: 2024-10-29. Review status: criteria provided, single submitter. Criteria: Athena Diagnostics Criteria. Collection method: clinical testing. Allele origin: unknown.

Mayo Clinic Laboratories, Mayo Clinic
Classification: Benign. Last evaluated: 2024-04-09. Review status: criteria provided, single submitter. Criteria: ACMG Guidelines, 2015. Collection method: clinical testing. Allele origin: germline. Observed: 3 variant alleles.
Comment: BA1, BP4

Illumina Laboratory Services, Illumina
Classification: Benign for Congenital myasthenic syndrome. Last evaluated: 2018-01-13. Review status: criteria provided, single submitter. Criteria: ICSL Variant Classification Criteria 13 December 2019. Collection method: clinical testing. Allele origin: germline.
Comment: This variant was observed in the ICSL laboratory as part of a predisposition screen in an ostensibly healthy population. It had not been previously curated by ICSL or reported in the Human Gene Mutation Database (HGMD: prior to June 1st, 2018), and was therefore a candidate for classification through an automated scoring system. Utilizing variant allele frequency, disease prevalence and penetrance estimates, and inheritance mode, an automated score was calculated to assess if this variant is too frequent to cause the disease. Based on the score and internal cut-off values, a variant classified as benign is not then subjected to further curation. The score for this variant resulted in a classification of benign for this disease.

Illumina Laboratory Services, Illumina
Classification: Benign for Lethal multiple pterygium syndrome. Last evaluated: 2018-01-13. Review status: criteria provided, single submitter. Criteria: ICSL Variant Classification Criteria 13 December 2019. Collection method: clinical testing. Allele origin: germline.
Comment: the same text as in the submission from Illumina Laboratory Services, Illumina above.

GeneDx
Classification: Benign. Last evaluated: 2016-12-31. Review status: criteria provided, single submitter. Criteria: GeneDx Variant Classification (06012015). Collection method: clinical testing. Allele origin: germline. Affected: yes.
Comment: This variant is considered likely benign or benign based on one or more of the following criteria: it is a conservative change, it occurs at a poorly conserved position in the protein, it is predicted to be benign by multiple in silico algorithms, and/or has population frequency not consistent with disease.

Breakthrough Genomics
Classification: Benign. Review status: criteria provided, single submitter. Criteria: ACMG Guidelines, 2015. Collection method: not provided. Allele origin: germline. Inheritance: Autosomal recessive inheritance. Affected: yes.

PreventionGenetics, part of Exact Sciences
Classification: Benign. Review status: criteria provided, single submitter. Criteria: ACMG Guidelines, 2015. Collection method: clinical testing. Allele origin: germline.

Genetic Services Laboratory, University of Chicago
Classification: Likely benign for AllHighlyPenetrant. Review status: no assertion criteria provided. Collection method: clinical testing. Allele origin: germline. Not counted in ClinVar's aggregate classification.
Comment: Likely benign based on allele frequency in 1000 Genomes Project or ESP global frequency and its presence in a patient with a rare or unrelated disease phenotype. NOT Sanger confirmed.